The following is an entry in ClinVar:

NM_001365068.1(ASTN2):c.353G>A (p.Arg118His)

Gene: ASTN2 (astrotactin 2; minus strand). Cytogenetic location: 9q33.1.
Variant type: single nucleotide variant.
Coding change: c.353G>A on transcript NM_001365068.1 (MANE Select); coding-DNA position 353, G replaced by A.
Protein change: p.Arg118His; replaces arginine 118 with histidine.
Molecular consequence: missense variant.
Genome position (GRCh38, 1-based): chr9:117,414,586, C>T on the plus strand (G>A on the coding strand, the complement: ASTN2 is on the minus strand). VCF-style: chr9-117414586-C-T. GRCh37 (hg19) VCF-style: chr9-120176864-C-T.
Other names: c.353G>A, p.Arg118His (NM_001365069.1, NM_014010.5); short protein forms R118H.
Identifiers: ClinVar variation 4982795 (VCV004982795.1).

ClinVar aggregate classification (germline): Uncertain significance (1 of 4 stars; one submission).

Conditions:
ASTN2-related disorder. Also called: ASTN2-related condition.

Submission:

PreventionGenetics, part of Exact Sciences
Classification: Uncertain significance for ASTN2-related condition. Last evaluated: 2026-03-02. Review status: criteria provided, single submitter. Criteria: ACMG Guidelines, 2015. Collection method: clinical testing. Allele origin: germline.
Comment: The ASTN2 c.353G>A variant is predicted to result in the amino acid substitution p.Arg118His. To our knowledge, this variant has not been reported in the literature or in a large population database (gnomAD), indicating this variant is rare. At this time, the clinical significance of this variant is uncertain due to the absence of conclusive functional and genetic evidence.